The following is an entry in ClinVar:

ClinVar aggregate classification (germline): Uncertain significance (1 of 4 stars; one submission).

Conditions:
Peutz-Jeghers syndrome (PJS). Also called: POLYPOSIS, HAMARTOMATOUS INTESTINAL; POLYPS-AND-SPOTS SYNDROME; Peutz-Jeghers polyposis; Periorificial lentiginosis syndrome. Identifiers: Orphanet 2869, MedGen C0031269, MeSH D010580, MONDO:0008280, OMIM 175200.

Submission:

Labcorp Genetics (formerly Invitae), Labcorp
Classification: Uncertain significance for Peutz-Jeghers syndrome. Last evaluated: 2018-10-13. Review status: criteria provided, single submitter. Criteria: Invitae Variant Classification Sherloc (09022015). Collection method: clinical testing. Allele origin: germline.
Comment: This variant is not present in population databases (ExAC no frequency). This sequence change replaces methionine with isoleucine at codon 22 of the STK11 protein (p.Met22Ile). The methionine residue is highly conserved and there is a small physicochemical difference between methionine and isoleucine. This variant has not been reported in the literature in individuals with STK11-related disease. Algorithms developed to predict the effect of missense changes on protein structure and function (SIFT, PolyPhen-2, Align-GVGD) all suggest that this variant is likely to be tolerated, but these predictions have not been confirmed by published functional studies and their clinical significance is uncertain. Algorithms developed to predict the effect of sequence changes on RNA splicing suggest that this variant may create or strengthen a splice site, but this prediction has not been confirmed by published transcriptional studies. In summary, the available evidence is currently insufficient to determine the role of this variant in disease. Therefore, it has been classified as a Variant of Uncertain Significance.

NM_000455.5(STK11):c.66G>A (p.Met22Ile)

Gene: STK11 (serine/threonine kinase 11; plus strand). Cytogenetic location: 19p13.3.
Variant type: single nucleotide variant.
Coding change: c.66G>A on transcript NM_000455.5 (MANE Select); coding-DNA position 66, G replaced by A.
Protein change: p.Met22Ile; replaces methionine 22 with isoleucine.
Molecular consequence: missense variant.
Genome position (GRCh38, 1-based): chr19:1,206,979, G>A. VCF-style: chr19-1206979-G-A. GRCh37 (hg19) VCF-style: chr19-1206978-G-A.
Other names: short protein forms M22I.
Identifiers: ClinVar variation 647244 (VCV000647244.8), dbSNP rs1599914859, ClinGen allele CA402943433.
Genomic context (GRCh38, chr19:1,206,979, plus strand): 5'-GGTGGTGGACCCGCAGCAGCTGGGCATGTTCACGGAGGGCGAGCTGATGTCGGTGGGTAT[G>A]GACACGTTCATCCACCGCATCGACTCCACCGAGGTCATCTACCAGCCGCGCCGCAAGCGG-3'
Protein context (NP_000446.1, residues 12-32): FTEGELMSVG[Met22Ile]DTFIHRIDST